The following is an entry in ClinVar:

ClinVar aggregate classification (germline): Benign/Likely benign. Review status: criteria provided, multiple submitters, no conflicts (2 of 4 stars). 6 submissions from 6 submitters: Benign (5); Likely benign (1). Last evaluated 2026-02-02.

Conditions:
Inborn genetic diseases. Identifiers: MedGen C0950123, MeSH D030342.
Christianson syndrome (MRXSCH). Also called: X-linked mental retardation, syndromic, Christianson type; SLC9A6-Related Syndromic Mental Retardation; INTELLECTUAL DEVELOPMENTAL DISORDER, X-LINKED, SYNDROMIC, CHRISTIANSON TYPE. Identifiers: Orphanet 85278, MedGen C2678194, MONDO:0010278, OMIM 300243.

Submissions (6):

Labcorp Genetics (formerly Invitae), Labcorp
Classification: Benign for Christianson syndrome. Last evaluated: 2026-02-02. Review status: criteria provided, single submitter. Criteria: Invitae Variant Classification Sherloc (09022015). Collection method: clinical testing. Allele origin: germline.

Blueprint Genetics
Classification: Benign. Last evaluated: 2024-11-28. Review status: criteria provided, single submitter. Criteria: ACMG Guidelines, 2015. Collection method: clinical testing. Allele origin: germline.

Unidad de Genómica Garrahan, Hospital de Pediatría Garrahan
Classification: Benign. Last evaluated: 2024-07-15. Review status: criteria provided, single submitter. Criteria: ACMG Guidelines, 2015. Collection method: clinical testing. Allele origin: germline. Affected: no. Observed: 91 variant alleles.
Comment: This variant is classified as Benign based on local population frequency. This variant was detected in 98% of patients studied in a panel designed for Epileptic and Developmental Encephalopathy and Progressive Myoclonus Epilepsy. Number of patients: 91. Only high quality variants are reported.

Genome-Nilou Lab
Classification: Benign for Christianson syndrome. Last evaluated: 2021-07-15. Review status: criteria provided, single submitter. Criteria: ACMG Guidelines, 2015. Collection method: clinical testing. Allele origin: germline. Affected: no.

GeneDx
Classification: Benign. Last evaluated: 2019-11-14. Review status: criteria provided, single submitter. Criteria: GeneDx Variant Classification Process June 2021. Collection method: clinical testing. Allele origin: germline. Affected: yes.

Ambry Genetics
Classification: Likely benign for Inborn genetic diseases. Last evaluated: 2016-05-31. Review status: criteria provided, single submitter. Criteria: Ambry Variant Classification Scheme 2023. Collection method: clinical testing. Allele origin: germline.

NM_001379110.1(SLC9A6):c.448-6dup

Gene: SLC9A6 (solute carrier family 9 member A6; plus strand). Cytogenetic location: Xq26.3.
Variant type: Duplication.
Coding change: c.448-6dup on transcript NM_001379110.1 (MANE Select); 6 bases into the intron before coding-DNA position 448, one base duplicated (T; older notation c.448-6dupT).
Molecular consequence: intron variant.
Genome position (GRCh38, 1-based): chrX:135,998,476, T duplicated; the last of 12 consecutive T bases (chrX:135,998,465-135,998,476); duplicating any one gives the same sequence. VCF-style (leftmost placement, unchanged base first): chrX-135998464-C-CT. GRCh37 (hg19) VCF-style: chrX-135080623-C-CT.
Other names: c.604-6dup (NM_001042537.2); c.508-6dup (NM_006359.3); c.448-6dup (NM_001177651.2); c.352-6dup (NM_001330652.2); c.508-6dupT (NM_006359.2).
Identifiers: ClinVar variation 1179482 (VCV001179482.17), dbSNP rs375038684, ClinGen allele CA10524668.